The following is an entry in ClinVar:

ClinVar aggregate classification (germline): Uncertain significance (1 of 4 stars; one submission).

Conditions:
Ectodermal dysplasia and immunodeficiency 2. Identifiers: Orphanet 238468, Orphanet 98813, MedGen C2677481, MONDO:0012806, OMIM 612132.

Submission:

Labcorp Genetics (formerly Invitae), Labcorp
Classification: Uncertain significance for Ectodermal dysplasia and immunodeficiency 2. Last evaluated: 2022-10-19. Review status: criteria provided, single submitter. Criteria: Invitae Variant Classification Sherloc (09022015). Collection method: clinical testing. Allele origin: germline.
Comment: In summary, the available evidence is currently insufficient to determine the role of this variant in disease. Therefore, it has been classified as a Variant of Uncertain Significance. Algorithms developed to predict the effect of missense changes on protein structure and function are either unavailable or do not agree on the potential impact of this missense change (SIFT: "Deleterious"; PolyPhen-2: "Probably Damaging"; Align-GVGD: "Class C15"). This variant has not been reported in the literature in individuals affected with NFKBIA-related conditions. This variant is not present in population databases (gnomAD no frequency). This sequence change replaces serine, which is neutral and polar, with cysteine, which is neutral and slightly polar, at codon 191 of the NFKBIA protein (p.Ser191Cys).

NM_020529.3(NFKBIA):c.572C>G (p.Ser191Cys)

Gene: NFKBIA (NFKB inhibitor alpha; minus strand). Cytogenetic location: 14q13.2.
Variant type: single nucleotide variant.
Coding change: c.572C>G on transcript NM_020529.3 (MANE Select); coding-DNA position 572, C replaced by G.
Protein change: p.Ser191Cys; replaces serine 191 with cysteine.
Molecular consequence: missense variant.
Genome position (GRCh38, 1-based): chr14:35,402,835, G>C on the plus strand (C>G on the coding strand, the complement: NFKBIA is on the minus strand). VCF-style: chr14-35402835-G-C. GRCh37 (hg19) VCF-style: chr14-35872041-G-C.
Other names: short protein forms S191C.
Identifiers: ClinVar variation 1899819 (VCV001899819.5), dbSNP rs2138831210, ClinGen allele CA389452577.